The following is an entry in ClinVar:

NM_016239.4(MYO15A):c.4596C>T (p.Thr1532=)

Gene: MYO15A (myosin XVA; plus strand). Cytogenetic location: 17p11.2.
Variant type: single nucleotide variant.
Coding change: c.4596C>T on transcript NM_016239.4 (MANE Select); coding-DNA position 4596, C replaced by T.
Protein change: p.Thr1532=; no amino-acid change (threonine 1532 retained).
Molecular consequence: synonymous variant.
Genome position (GRCh38, 1-based): chr17:18,135,824, C>T. VCF-style: chr17-18135824-C-T. GRCh37 (hg19) VCF-style: chr17-18039138-C-T.
Identifiers: ClinVar variation 513075 (VCV000513075.38), dbSNP rs188269446, ClinGen allele CA8423940.

ClinVar aggregate classification (germline): Conflicting classifications of pathogenicity. Review status: criteria provided, conflicting classifications (1 of 4 stars). 6 submissions from 6 submitters: Uncertain significance (1); Likely benign (5). Last evaluated 2026-06-01.

Conditions:
Autosomal recessive nonsyndromic hearing loss 3. Also called: NEUROSENSORY NONSYNDROMIC RECESSIVE DEAFNESS 3. Identifiers: Orphanet 90636, MedGen C1838263, MONDO:0010860, OMIM 600316.
MYO15A-related disorder. Also called: MYO15A-related condition.

Allele frequency attached by ClinVar (database versions not stated): ESP Exome Variant Server 0.00016; gnomAD 0.00016 and 0.00019; 1000 Genomes Project 0.00020; 1000 Genomes Project 30x 0.00031; ExAC 0.00033; TOPMed 0.00035.
gnomAD v4.1: 232 of 1,613,198 alleles (0.014%); highest among the groups gnomAD compares: East Asian, 0.19%; 1 homozygote.

Submissions (6):

PreventionGenetics, part of Exact Sciences
Classification: Likely benign for MYO15A-related condition. Last evaluated: 2026-06-01. Review status: criteria provided, single submitter. Criteria: ACMG Guidelines, 2015. Collection method: clinical testing. Allele origin: germline.
Comment: This variant is classified as likely benign based on ACMG/AMP sequence variant interpretation guidelines (Richards et al. 2015 PMID: 25741868, with internal and published modifications).

Labcorp Genetics (formerly Invitae), Labcorp
Classification: Likely benign. Last evaluated: 2026-01-31. Review status: criteria provided, single submitter. Criteria: Invitae Variant Classification Sherloc (09022015). Collection method: clinical testing. Allele origin: germline.

Blueprint Genetics
Classification: Likely benign. Last evaluated: 2024-09-10. Review status: criteria provided, single submitter. Criteria: ACMG Guidelines, 2015. Collection method: clinical testing. Allele origin: germline.

CeGaT Center for Human Genetics Tuebingen
Classification: Likely benign. Last evaluated: 2022-10-01. Review status: criteria provided, single submitter. Criteria: CeGaT Center For Human Genetics Tuebingen Variant Classification Criteria Version 2. Collection method: clinical testing. Allele origin: germline. Affected: yes. Observed: 1 variant allele.
Comment: MYO15A: BP4, BP7

GeneDx
Classification: Likely benign. Last evaluated: 2019-12-23. Review status: criteria provided, single submitter. Criteria: GeneDx Variant Classification Process June 2021. Collection method: clinical testing. Allele origin: germline. Affected: yes.

Illumina Laboratory Services, Illumina
Classification: Uncertain significance for Autosomal recessive nonsyndromic hearing loss 3. Last evaluated: 2018-01-12. Review status: criteria provided, single submitter. Criteria: ICSL Variant Classification Criteria 13 December 2019. Collection method: clinical testing. Allele origin: germline.